The following is an entry in ClinVar:

ClinVar aggregate classification (germline): Uncertain significance. Review status: criteria provided, multiple submitters, no conflicts (2 of 4 stars). 6 submissions from 6 submitters: Uncertain significance (5). 1 of the submissions does not count toward it. Last evaluated 2022-06-04.

Conditions:
Inborn genetic diseases. Identifiers: MedGen C0950123, MeSH D030342.
Neuronal ceroid lipofuscinosis 2. Also called: TPP1-Related Neuronal Ceroid-Lipofuscinosis; JANSKY-BIELSCHOWSKY DISEASE NEURONAL CEROID LIPOFUSCINOSIS, LATE INFANTILE. Identifiers: Orphanet 168491, Orphanet 228349, Orphanet 79264, MedGen C1876161, MONDO:0008769, OMIM 204500.

Allele frequency attached by ClinVar (database versions not stated): ExAC 0.00001; gnomAD exomes 0.00001; gnomAD 0.00004; TOPMed 0.00006.

Submissions (6):

Labcorp Genetics (formerly Invitae), Labcorp
Classification: Uncertain significance. Last evaluated: 2022-06-04. Review status: criteria provided, single submitter. Criteria: Invitae Variant Classification Sherloc (09022015). Collection method: clinical testing. Allele origin: germline.
Comment: This sequence change replaces arginine, which is basic and polar, with glutamine, which is neutral and polar, at codon 266 of the TPP1 protein (p.Arg266Gln). This variant is present in population databases (rs757953998, gnomAD 0.01%). This missense change has been observed in individual(s) with late-infantile neuronal ceroid lipofusinosis (PMID: 22832778). In at least one individual the data is consistent with being in trans (on the opposite chromosome) from a pathogenic variant. ClinVar contains an entry for this variant (Variation ID: 207580). Advanced modeling of protein sequence and biophysical properties (such as structural, functional, and spatial information, amino acid conservation, physicochemical variation, residue mobility, and thermodynamic stability) performed at Invitae indicates that this missense variant is not expected to disrupt TPP1 protein function. In summary, the available evidence is currently insufficient to determine the role of this variant in disease. Therefore, it has been classified as a Variant of Uncertain Significance.

Women's Health and Genetics/Laboratory Corporation of America, LabCorp
Classification: Uncertain significance. Last evaluated: 2022-05-22. Review status: criteria provided, single submitter. Criteria: LabCorp Variant Classification Summary - May 2015. Collection method: clinical testing. Allele origin: germline.
Comment: Variant summary: TPP1 c.797G>A (p.Arg266Gln) results in a conservative amino acid change located in the Sedolisin domain (IPR030400) of the encoded protein sequence. Four of five in-silico tools predict a benign effect of the variant on protein function. The variant allele was found at a frequency of 1.2e-05 in 251388 control chromosomes. The available data on variant occurrences in the general population are insufficient to allow any conclusion about variant significance. c.797G>A has been reported in the literature as a compound heterozygous genotype in at-least one individual affected with Neuronal Ceroid-Lipofuscinosis (Batten Disease) (example, Perez-Poyato_2012). These data do not allow any conclusion about variant significance. To our knowledge, no experimental evidence demonstrating an impact on protein function has been reported. Four clinical diagnostic laboratories have submitted clinical-significance assessments for this variant to ClinVar after 2014 without evidence for independent evaluation. All laboratories classified the variant as uncertain significance. Based on the evidence outlined above, the variant was classified as uncertain significance.

Blueprint Genetics
Classification: Uncertain significance. Last evaluated: 2022-03-25. Review status: criteria provided, single submitter. Criteria: ACMG Guidelines, 2015. Collection method: clinical testing. Allele origin: germline.

Ambry Genetics
Classification: Uncertain significance for Inborn genetic diseases. Last evaluated: 2019-02-17. Review status: criteria provided, single submitter. Criteria: Ambry Variant Classification Scheme 2023. Collection method: clinical testing. Allele origin: germline.
Comment: The p.R266Q variant (also known as c.797G>A), located in coding exon 7 of the TPP1 gene, results from a G to A substitution at nucleotide position 797. The arginine at codon 266 is replaced by glutamine, an amino acid with highly similar properties. In a structural study of TPP1, authors concluded that this alteration caused no apparent conformational destabilization and its putative functional consequence remained unclear (Pal A, et al. J. Biol. Chem. 2009;284(6):3976-84). This amino acid position is not well conserved in available vertebrate species. In addition, the in silico prediction for this alteration is inconclusive. Since supporting evidence is limited at this time, the clinical significance of this alteration remains unclear.

GeneDx
Classification: Uncertain significance. Last evaluated: 2016-10-11. Review status: criteria provided, single submitter. Criteria: GeneDx Variant Classification (06012015). Collection method: clinical testing. Allele origin: germline. Affected: yes.
Comment: A variant of uncertain significance has been identified in the TPP1 gene. The R266Q variant has been reported previously in a patient with CLN2 who also harbored a second TPP1 variant; however phase was undetermined (Kousi et al., 2012). Functional studies demonstrate no conformational destabilization, indicating an unclear consequence of this variant (Pal et al., 2009). It was not observed in approximately 6,500 individuals of European and African American ancestry in the NHLBI Exome Sequencing Project, indicating it is not a common benign variant in these populations. The R266Q variant is a semi-conservative amino acid substitution, which may impact secondary protein structure as these residues differ in some properties. However, this substitution occurs at a position that is not conserved. In silico analysis is inconsistent in its predictions as to whether or not the variant is damaging to the protein structure/function. Therefore, based on the currently available information, it is unclear whether this variant is a pathogenic variant or a rare benign variant.

Natera, Inc.
Classification: Uncertain significance for Neuronal ceroid lipofuscinosis 2. Last evaluated: 2020-09-16. Review status: no assertion criteria provided. Collection method: clinical testing. Allele origin: germline. Not counted in ClinVar's aggregate classification.

Literature cited by the submitters: PubMed 22832778 (cited by Labcorp Genetics (formerly Invitae), Labcorp and Women's Health and Genetics/Laboratory Corporation of America, LabCorp); PubMed 21990111 (cited by Women's Health and Genetics/Laboratory Corporation of America, LabCorp and Ambry Genetics); PubMed 19038966 (cited by Women's Health and Genetics/Laboratory Corporation of America, LabCorp and Ambry Genetics); PubMed 31283065 (cited by Women's Health and Genetics/Laboratory Corporation of America, LabCorp); PubMed 27553520 (cited by Women's Health and Genetics/Laboratory Corporation of America, LabCorp).

NM_000391.4(TPP1):c.797G>A (p.Arg266Gln)

Gene: TPP1 (tripeptidyl peptidase 1; minus strand). Cytogenetic location: 11p15.4.
Variant type: single nucleotide variant.
Coding change: c.797G>A on transcript NM_000391.4 (MANE Select); coding-DNA position 797, G replaced by A.
Protein change: p.Arg266Gln; replaces arginine 266 with glutamine.
Molecular consequence: missense variant.
Genome position (GRCh38, 1-based): chr11:6,616,750, C>T on the plus strand (G>A on the coding strand, the complement: TPP1 is on the minus strand). VCF-style: chr11-6616750-C-T. GRCh37 (hg19) VCF-style: chr11-6637981-C-T.
Other names: p.R266Q:CGG>CAG; short protein forms R266Q.
Identifiers: ClinVar variation 207580 (VCV000207580.14), dbSNP rs757953998, ClinGen allele CA319188.
Genomic context (GRCh38, chr11:6,616,750, plus strand): 5'-TTGGCACCAGCACTCATCAGGTACTGCACATCTAGACTGGCCTCAATCCCGGCCCGGCCC[C>T]GGCCCTGTTGTCCAACCACACGGGCTACTGATGCCTGATGTGCAAAGTTGCCACCGAAGA-3'
Protein context (NP_000382.3, residues 256-276): SVARVVGQQG[Arg266Gln]GRAGIEASLD